The following is an entry in ClinVar:

NM_000466.3(PEX1):c.854A>G (p.Asn285Ser)

Gene: PEX1 (peroxisomal biogenesis factor 1; minus strand). Cytogenetic location: 7q21.2.
Variant type: single nucleotide variant.
Coding change: c.854A>G on transcript NM_000466.3 (MANE Select); coding-DNA position 854, A replaced by G.
Protein change: p.Asn285Ser; replaces asparagine 285 with serine.
Molecular consequence: missense variant.
Genome position (GRCh38, 1-based): chr7:92,517,661, T>C on the plus strand (A>G on the coding strand, the complement: PEX1 is on the minus strand). VCF-style: chr7-92517661-T-C. GRCh37 (hg19) VCF-style: chr7-92146975-T-C.
Other names: c.854A>G, p.Asn285Ser (NM_001282677.2); c.230A>G, p.Asn77Ser (NM_001282678.2); short protein forms N285S, N77S.
Identifiers: ClinVar variation 1499093 (VCV001499093.7), dbSNP rs781103940, ClinGen allele CA4341530.

ClinVar aggregate classification (germline): Uncertain significance (1 of 4 stars; one submission).

Conditions:
Zellweger spectrum disorders (ZS). Also called: Zellweger syndrome; Zellweger Spectrum Disorder (ZSD); Zellweger Spectrum Disorder; Zellweger Spectrum. Identifiers: Orphanet 912, MedGen C0043459, MONDO:0019609.

Allele frequency attached by ClinVar (database versions not stated): gnomAD exomes below 0.00001; ExAC 0.00001; gnomAD 0.00001.
gnomAD v4.1: 5 of 1,613,904 alleles (0.00031%); highest among the groups gnomAD compares: Non-Finnish European, 0.00042%; no homozygotes.

Submission:

Labcorp Genetics (formerly Invitae), Labcorp
Classification: Uncertain significance for Zellweger spectrum disorders. Last evaluated: 2024-02-24. Review status: criteria provided, single submitter. Criteria: Invitae Variant Classification Sherloc (09022015). Collection method: clinical testing. Allele origin: germline.
Comment: This sequence change replaces asparagine, which is neutral and polar, with serine, which is neutral and polar, at codon 285 of the PEX1 protein (p.Asn285Ser). This variant is present in population databases (rs781103940, gnomAD 0.0009%). This variant has not been reported in the literature in individuals affected with PEX1-related conditions. ClinVar contains an entry for this variant (Variation ID: 1499093). Advanced modeling of protein sequence and biophysical properties (such as structural, functional, and spatial information, amino acid conservation, physicochemical variation, residue mobility, and thermodynamic stability) performed at Invitae indicates that this missense variant is not expected to disrupt PEX1 protein function with a negative predictive value of 80%. In summary, the available evidence is currently insufficient to determine the role of this variant in disease. Therefore, it has been classified as a Variant of Uncertain Significance.